The following is an entry in ClinVar:

NM_024408.4(NOTCH2):c.918C>T (p.Pro306=)

Gene: NOTCH2 (notch receptor 2; minus strand). Cytogenetic location: 1p12.
Variant type: single nucleotide variant.
Coding change: c.918C>T on transcript NM_024408.4 (MANE Select); coding-DNA position 918, C replaced by T.
Protein change: p.Pro306=; no amino-acid change (proline 306 retained).
Molecular consequence: synonymous variant.
Genome position (GRCh38, 1-based): chr1:119,969,701, G>A on the plus strand (C>T on the coding strand, the complement: NOTCH2 is on the minus strand). VCF-style: chr1-119969701-G-A. GRCh37 (hg19) VCF-style: chr1-120512324-G-A.
Other names: c.918C>T, p.Pro306= (NM_001200001.2).
Identifiers: ClinVar variation 3059703 (VCV003059703.2), dbSNP rs1553200148, ClinGen allele CA420040275.

ClinVar aggregate classification (germline): Likely benign (0 of 4 stars; one submission).

Conditions:
NOTCH2-related disorder. Also called: NOTCH2-related condition.

Allele frequency attached by ClinVar (database versions not stated): TOPMed below 0.00001; gnomAD 0.00001.
gnomAD v4.1: 1 of 1,613,992 alleles (0.000062%); highest among the groups gnomAD compares: African/African-American, 0.0013%; no homozygotes.

Submission:

PreventionGenetics, part of Exact Sciences
Classification: Likely benign for NOTCH2-related condition. Last evaluated: 2022-11-29. Review status: no assertion criteria provided. Collection method: clinical testing. Allele origin: germline.
Comment: This variant is classified as likely benign based on ACMG/AMP sequence variant interpretation guidelines (Richards et al. 2015 PMID: 25741868, with internal and published modifications).